The following is an entry in ClinVar:

NM_006648.4(WNK2):c.5893C>T (p.Arg1965Trp)

Gene: WNK2 (WNK lysine deficient protein kinase 2; plus strand). Cytogenetic location: 9q22.31.
Variant type: single nucleotide variant.
Coding change: c.5893C>T on transcript NM_006648.4 (MANE Select); coding-DNA position 5893, C replaced by T.
Protein change: p.Arg1965Trp; replaces arginine 1965 with tryptophan.
Molecular consequence: missense variant.
Genome position (GRCh38, 1-based): chr9:93,298,037, C>T. VCF-style: chr9-93298037-C-T. GRCh37 (hg19) VCF-style: chr9-96060319-C-T.
Other names: c.6004C>T, p.Arg2002Trp (NM_001282394.3); short protein forms R1965W, R2002W.
Identifiers: ClinVar variation 4201905 (VCV004201905.1).

ClinVar aggregate classification (germline): Uncertain significance (1 of 4 stars; one submission).

gnomAD v4.1: 10 of 1,552,132 alleles (0.00064%); highest among the groups gnomAD compares: Middle Eastern, 0.034%; no homozygotes.

Submission:

Ambry Genetics
Classification: Uncertain significance. Last evaluated: 2025-09-14. Review status: criteria provided, single submitter. Criteria: Ambry Variant Classification Scheme 2023. Collection method: clinical testing. Allele origin: germline.
Comment: The p.R1965W variant (also known as c.5893C>T), located in coding exon 23 of the WNK2 gene, results from a C to T substitution at nucleotide position 5893. The arginine at codon 1965 is replaced by tryptophan, an amino acid with dissimilar properties. This amino acid position is conserved. In addition, this alteration is predicted to be tolerated by in silico analysis. Based on the available evidence, the clinical significance of this variant remains unclear.